The following is an entry in ClinVar:

NM_001292063.2(OTOG):c.566C>G (p.Ser189Cys)

Gene: OTOG (otogelin; plus strand). Cytogenetic location: 11p15.1.
Variant type: single nucleotide variant.
Coding change: c.566C>G on transcript NM_001292063.2 (MANE Select); coding-DNA position 566, C replaced by G.
Protein change: p.Ser189Cys; replaces serine 189 with cysteine.
Molecular consequence: missense variant.
Genome position (GRCh38, 1-based): chr11:17,555,804, C>G. VCF-style: chr11-17555804-C-G. GRCh37 (hg19) VCF-style: chr11-17577351-C-G.
Other names: p.Ser201Cys; c.602C>G, p.Ser201Cys (NM_001277269.2); short protein forms S189C, S201C.
Identifiers: ClinVar variation 2683138 (VCV002683138.2), dbSNP rs990516929, ClinGen allele CA218492430.

ClinVar aggregate classification (germline): Uncertain significance. Review status: criteria provided, multiple submitters, no conflicts (2 of 4 stars). 2 submissions from 2 submitters: Uncertain significance (2). Last evaluated 2024-08-05.

Allele frequency attached by ClinVar (database versions not stated): gnomAD 0.00001.
gnomAD v4.1: 31 of 1,550,544 alleles (0.002%); highest among the groups gnomAD compares: Non-Finnish European, 0.0025%; no homozygotes.

Submissions (2):

Blueprint Genetics
Classification: Uncertain significance. Last evaluated: 2024-08-05. Review status: criteria provided, single submitter. Criteria: ACMG Guidelines, 2015. Collection method: clinical testing. Allele origin: germline.

Mayo Clinic Laboratories, Mayo Clinic
Classification: Uncertain significance. Last evaluated: 2022-10-28. Review status: criteria provided, single submitter. Criteria: ACMG Guidelines, 2015. Collection method: clinical testing. Allele origin: germline. Observed: 1 variant allele.
Comment: PM2